The following is an entry in ClinVar:

NM_001374353.1(GLI2):c.1771C>T (p.Pro591Ser)

Gene: GLI2 (GLI family zinc finger 2; plus strand). Cytogenetic location: 2q14.2.
Variant type: single nucleotide variant.
Coding change: c.1771C>T on transcript NM_001374353.1 (MANE Select); coding-DNA position 1771, C replaced by T.
Protein change: p.Pro591Ser; replaces proline 591 with serine.
Molecular consequence: missense variant.
Genome position (GRCh38, 1-based): chr2:120,984,609, C>T. VCF-style: chr2-120984609-C-T. GRCh37 (hg19) VCF-style: chr2-121742185-C-T.
Other names: c.1822C>T, p.Pro608Ser (NM_001371271.1, NM_005270.5); c.1396C>T, p.Pro466Ser (NM_001374354.1); short protein forms P466S, P591S, P608S.
Identifiers: ClinVar variation 1307566 (VCV001307566.2), dbSNP rs779910601, ClinGen allele CA348163103.

ClinVar aggregate classification (germline): Uncertain significance (1 of 4 stars; one submission).

Submission:

GeneDx
Classification: Uncertain significance. Last evaluated: 2019-08-14. Review status: criteria provided, single submitter. Criteria: GeneDx Variant Classification Process June 2021. Collection method: clinical testing. Allele origin: germline. Affected: yes.
Comment: Not observed in large population cohorts (Lek et al., 2016); In silico analysis, which includes protein predictors and evolutionary conservation, supports a deleterious effect; Has not been previously published as pathogenic or benign to our knowledge